The following is an entry in ClinVar:

NM_000218.3(KCNQ1):c.1393+33948T>C

Genes: KCNQ1 (potassium voltage-gated channel subfamily Q member 1; plus strand), KCNQ1OT1 (KCNQ1 opposite strand/antisense transcript 1; minus strand). Cytogenetic location: 11p15.5.
Variant type: single nucleotide variant.
Coding change: c.1393+33948T>C on transcript NM_000218.3 (MANE Select); 33948 bases into the intron after coding-DNA position 1393, T replaced by C.
Molecular consequence: intron variant. On other transcripts: non-coding transcript variant (1).
Genome position (GRCh38, 1-based): chr11:2,622,802, T>C. VCF-style: chr11-2622802-T-C. GRCh37 (hg19) VCF-style: chr11-2644032-T-C.
Other names: c.1123+33948T>C (NM_001406837.1); c.1297+33948T>C (NM_001406836.1); c.853+33948T>C (NM_001406838.1); c.1012+33948T>C (NM_181798.2).
Identifiers: ClinVar variation 4084863 (VCV004084863.8).

ClinVar aggregate classification (germline): Benign (1 of 4 stars; one submission).

gnomAD v4.1: 598 of 398,610 alleles (0.15%); highest among the groups gnomAD compares: African/African-American, 1.1%; 3 homozygotes.

Submission:

CeGaT Center for Human Genetics Tuebingen
Classification: Benign. Last evaluated: 2026-06-01. Review status: criteria provided, single submitter. Criteria: CeGaT Center For Human Genetics Tuebingen Variant Classification Criteria Version 2. Collection method: clinical testing. Allele origin: germline. Affected: yes. Observed: 4 variant alleles.
Comment: KCNQ1OT1: BS1, BS2